The following is an entry in ClinVar:

ClinVar aggregate classification (germline): Uncertain significance. Review status: criteria provided, single submitter (1 of 4 stars). 2 submissions from 2 submitters: Uncertain significance (1). 1 of the submissions does not count toward it. Last evaluated 2022-02-24.

Conditions:
Cognitive impairment - coarse facies - heart defects - obesity - pulmonary involvement - short stature - skeletal dysplasia syndrome. Also called: COGNITIVE IMPAIRMENT, COARSE FACIES, HEART DEFECTS, OBESITY, PULMONARY INVOLVEMENT, SHORT STATURE, AND SKELETAL DYSPLASIA; Chops syndrome; AFF4-Related CHOPS Syndrome. Identifiers: Orphanet 444077, MedGen C4085597, MONDO:0014609, OMIM 616368.
AFF4-related disorder. Also called: AFF4-related condition.

Allele frequency attached by ClinVar (database versions not stated): gnomAD exomes below 0.00001.
gnomAD v4.1: 6 of 1,614,140 alleles (0.00037%); highest among the groups gnomAD compares: Admixed American, 0.0017%; no homozygotes.

Submissions (2):

Labcorp Genetics (formerly Invitae), Labcorp
Classification: Uncertain significance for Cognitive impairment - coarse facies - heart defects - obesity - pulmonary involvement - short stature - skeletal dysplasia syndrome. Last evaluated: 2022-02-24. Review status: criteria provided, single submitter. Criteria: Invitae Variant Classification Sherloc (09022015). Collection method: clinical testing. Allele origin: germline.
Comment: In summary, the available evidence is currently insufficient to determine the role of this variant in disease. Therefore, it has been classified as a Variant of Uncertain Significance. Algorithms developed to predict the effect of missense changes on protein structure and function (SIFT, PolyPhen-2, Align-GVGD) all suggest that this variant is likely to be tolerated. This variant has not been reported in the literature in individuals affected with AFF4-related conditions. This variant is present in population databases (no rsID available, gnomAD 0.003%). This sequence change replaces serine, which is neutral and polar, with asparagine, which is neutral and polar, at codon 132 of the AFF4 protein (p.Ser132Asn).

PreventionGenetics, part of Exact Sciences
Classification: Uncertain significance for AFF4-related condition. Last evaluated: 2024-09-03. Review status: no assertion criteria provided. Collection method: clinical testing. Allele origin: germline. Not counted in ClinVar's aggregate classification.
Comment: The AFF4 c.395G>A variant is predicted to result in the amino acid substitution p.Ser132Asn. To our knowledge, this variant has not been reported in the literature. This variant is reported in 0.0058% of alleles in individuals of Latino descent in gnomAD. At this time, the clinical significance of this variant is uncertain due to the absence of conclusive functional and genetic evidence.

NM_014423.4(AFF4):c.395G>A (p.Ser132Asn)

Gene: AFF4 (ALF transcription elongation factor 4; minus strand). Cytogenetic location: 5q31.1.
Variant type: single nucleotide variant.
Coding change: c.395G>A on transcript NM_014423.4 (MANE Select); coding-DNA position 395, G replaced by A.
Protein change: p.Ser132Asn; replaces serine 132 with asparagine.
Molecular consequence: missense variant.
Genome position (GRCh38, 1-based): chr5:132,934,670, C>T on the plus strand (G>A on the coding strand, the complement: AFF4 is on the minus strand). VCF-style: chr5-132934670-C-T. GRCh37 (hg19) VCF-style: chr5-132270362-C-T.
Other names: c.395G>A (NM_014423.3); short protein forms S132N.
Identifiers: ClinVar variation 2170418 (VCV002170418.5), dbSNP rs1434666495, ClinGen allele CA360961612.